The following is an entry in ClinVar:

ClinVar aggregate classification (germline): Uncertain significance (1 of 4 stars; one submission).

Conditions:
Neuropathy, hereditary sensory and autonomic, type 2A (HSAN2A). Also called: ACROOSTEOLYSIS, GIACCAI TYPE; ACROOSTEOLYSIS, NEUROGENIC; MORVAN DISEASE; NEUROPATHY, CONGENITAL SENSORY; NEUROPATHY, HEREDITARY SENSORY RADICULAR, AUTOSOMAL RECESSIVE; NEUROPATHY, HEREDITARY SENSORY, TYPE IIA. Identifiers: Orphanet 970, MedGen C2752089, MONDO:0024309, OMIM 201300.
Pseudohypoaldosteronism type 2C (PHA2C). Also called: Pseudohypoaldosteronism Type IIC. Identifiers: Orphanet 757, Orphanet 88940, MedGen C1840391, MONDO:0013778, OMIM 614492.

gnomAD v4.1: 3 of 1,613,804 alleles (0.00019%); highest among the groups gnomAD compares: Non-Finnish European, 0.00025%; no homozygotes.

Submission:

Labcorp Genetics (formerly Invitae), Labcorp
Classification: Uncertain significance for Neuropathy, hereditary sensory and autonomic, type 2A; Pseudohypoaldosteronism type 2C. Last evaluated: 2024-11-05. Review status: criteria provided, single submitter. Criteria: Invitae Variant Classification Sherloc (09022015). Collection method: clinical testing. Allele origin: germline.
Comment: This sequence change replaces glutamine, which is neutral and polar, with arginine, which is basic and polar, at codon 1072 of the WNK1 protein (p.Gln1072Arg). This variant is not present in population databases (gnomAD no frequency). This variant has not been reported in the literature in individuals affected with WNK1-related conditions. Invitae Evidence Modeling of protein sequence and biophysical properties (such as structural, functional, and spatial information, amino acid conservation, physicochemical variation, residue mobility, and thermodynamic stability) indicates that this missense variant is not expected to disrupt WNK1 protein function with a negative predictive value of 95%. In summary, the available evidence is currently insufficient to determine the role of this variant in disease. Therefore, it has been classified as a Variant of Uncertain Significance.

NM_213655.5(WNK1):c.3215A>G (p.Gln1072Arg)

Gene: WNK1 (WNK lysine deficient protein kinase 1; plus strand). Cytogenetic location: 12p13.33.
Variant type: single nucleotide variant.
Coding change: c.3215A>G on transcript NM_213655.5 (MANE Plus Clinical); coding-DNA position 3215, A replaced by G.
Protein change: p.Gln1072Arg; replaces glutamine 1072 with arginine.
Molecular consequence: missense variant. On other transcripts: intron variant (2).
Genome position (GRCh38, 1-based): chr12:868,686, A>G. VCF-style: chr12-868686-A-G. GRCh37 (hg19) VCF-style: chr12-977852-A-G.
Other names: c.2960A>G, p.Gln987Arg (NM_001184985.2); c.2140-2579A>G (NM_018979.4, NM_014823.3); short protein forms Q1072R, Q987R.
Identifiers: ClinVar variation 3760777 (VCV003760777.2).